The following is an entry in ClinVar:

ClinVar aggregate classification (germline): Likely benign (0 of 4 stars; one submission).

Conditions:
SLC51A-related disorder. Also called: SLC51A-related condition.

Allele frequency attached by ClinVar (database versions not stated): gnomAD exomes below 0.00001; gnomAD 0.00001.
gnomAD v4.1: 4 of 1,608,914 alleles (0.00025%); highest among the groups gnomAD compares: Non-Finnish European, 0.00034%; no homozygotes.

Submission:

PreventionGenetics, part of Exact Sciences
Classification: Likely benign for SLC51A-related condition. Last evaluated: 2021-07-26. Review status: no assertion criteria provided. Collection method: clinical testing. Allele origin: germline.
Comment: This variant is classified as likely benign based on ACMG/AMP sequence variant interpretation guidelines (Richards et al. 2015 PMID: 25741868, with internal and published modifications).

NM_152672.6(SLC51A):c.522-7C>T

Gene: SLC51A (solute carrier family 51 member A; plus strand). Cytogenetic location: 3q29.
Variant type: single nucleotide variant.
Coding change: c.522-7C>T on transcript NM_152672.6 (MANE Select); 7 bases into the intron before coding-DNA position 522, C replaced by T.
Molecular consequence: intron variant.
Genome position (GRCh38, 1-based): chr3:196,228,802, C>T. VCF-style: chr3-196228802-C-T. GRCh37 (hg19) VCF-style: chr3-195955673-C-T.
Identifiers: ClinVar variation 3061071 (VCV003061071.2), dbSNP rs1488534773, ClinGen allele CA549043106.
Genomic context (GRCh38, chr3:196,228,802, plus strand): 5'-GAGCCGGGGCGTCTTCCTGGGGCAGGGGGTTTGTGGGCCCATGTTCCTAACCCTCTTCCC[C>T]ACTCAGGAAGAAGCTTCAGCTGCTGATGTTGGGCCCTTTCCAATACGCCTTCTTGAAGAT-3'